The following is an entry in ClinVar:

NM_004656.4(BAP1):c.1631T>A (p.Ile544Lys)

Gene: BAP1 (BRCA1 associated deubiquitinase 1; minus strand). Cytogenetic location: 3p21.1.
Variant type: single nucleotide variant.
Coding change: c.1631T>A on transcript NM_004656.4 (MANE Select); coding-DNA position 1631, T replaced by A.
Protein change: p.Ile544Lys; replaces isoleucine 544 with lysine.
Molecular consequence: missense variant.
Genome position (GRCh38, 1-based): chr3:52,403,514, A>T on the plus strand (T>A on the coding strand, the complement: BAP1 is on the minus strand). VCF-style: chr3-52403514-A-T. GRCh37 (hg19) VCF-style: chr3-52437530-A-T.
Other names: c.1577T>A, p.Ile526Lys (NM_001410772.1); short protein forms I544K, I526K.
Identifiers: ClinVar variation 1776843 (VCV001776843.5), dbSNP rs2153226630, ClinGen allele CA353100185.

ClinVar aggregate classification (germline): Uncertain significance. Review status: criteria provided, multiple submitters, no conflicts (2 of 4 stars). 2 submissions from 2 submitters: Uncertain significance (2). Last evaluated 2024-12-21.

Conditions:
Hereditary cancer-predisposing syndrome. Also called: Neoplastic Syndromes, Hereditary; Tumor predisposition; Hereditary Cancer Syndrome; Hereditary neoplastic syndrome. Identifiers: Orphanet 140162, MedGen C0027672, MeSH D009386, MONDO:0015356.
BAP1-related tumor predisposition syndrome (TPDS1). Also called: BAP1 tumor predisposition syndrome; Tumor susceptibility linked to germline BAP1 mutations; COMMON Syndrome; TUMOR PREDISPOSITION SYNDROME 1. Identifiers: Orphanet 289539, MedGen C3280492, MONDO:0013692, OMIM 614327.

Submissions (2):

Labcorp Genetics (formerly Invitae), Labcorp
Classification: Uncertain significance for BAP1-related tumor predisposition syndrome. Last evaluated: 2024-12-21. Review status: criteria provided, single submitter. Criteria: Invitae Variant Classification Sherloc (09022015). Collection method: clinical testing. Allele origin: germline.
Comment: This sequence change replaces isoleucine, which is neutral and non-polar, with lysine, which is basic and polar, at codon 544 of the BAP1 protein (p.Ile544Lys). This variant is not present in population databases (gnomAD no frequency). This variant has not been reported in the literature in individuals affected with BAP1-related conditions. ClinVar contains an entry for this variant (Variation ID: 1776843). An algorithm developed to predict the effect of missense changes on protein structure and function (PolyPhen-2) suggests that this variant is likely to be tolerated. In summary, the available evidence is currently insufficient to determine the role of this variant in disease. Therefore, it has been classified as a Variant of Uncertain Significance.

Ambry Genetics
Classification: Uncertain significance for Hereditary cancer-predisposing syndrome. Last evaluated: 2022-10-22. Review status: criteria provided, single submitter. Criteria: Ambry Variant Classification Scheme 2023. Collection method: clinical testing. Allele origin: germline.
Comment: The p.I544K variant (also known as c.1631T>A), located in coding exon 13 of the BAP1 gene, results from a T to A substitution at nucleotide position 1631. The isoleucine at codon 544 is replaced by lysine, an amino acid with dissimilar properties. This amino acid position is conserved. In addition, this alteration is predicted to be tolerated by in silico analysis. Since supporting evidence is limited at this time, the clinical significance of this alteration remains unclear.